The following is an entry in ClinVar:

NM_024537.4(CARS2):c.1688C>T (p.Ala563Val)

Gene: CARS2 (cysteinyl-tRNA synthetase 2, mitochondrial; minus strand). Cytogenetic location: 13q34.
Variant type: single nucleotide variant.
Coding change: c.1688C>T on transcript NM_024537.4 (MANE Select); coding-DNA position 1688, C replaced by T.
Protein change: p.Ala563Val; replaces alanine 563 with valine.
Molecular consequence: missense variant. On other transcripts: non-coding transcript variant (2).
Genome position (GRCh38, 1-based): chr13:110,641,544, G>A on the plus strand (C>T on the coding strand, the complement: CARS2 is on the minus strand). VCF-style: chr13-110641544-G-A. GRCh37 (hg19) VCF-style: chr13-111293891-G-A.
Other names: c.902C>T, p.Ala301Val (NM_001352252.2); short protein forms A563V, A301V.
Identifiers: ClinVar variation 1475595 (VCV001475595.7), dbSNP rs542366222, ClinGen allele CA7051554.
Genomic context (GRCh38, chr13:110,641,544, plus strand): 5'-TGAGAAGCATGGGTGCGTCTTGTCGTGAGCAGGTTCATGGCTGTGCTCCATCCTCAGCCC[G>A]CTGATTTTTGGTCTTTTGTCCTTTGATCCAGCAGTTCCCACGTGGATGTTGTACTGCTTC-3'
Protein context (NP_078813.1, residues 553-564): LDQRTKDQKS[Ala563Val]G

ClinVar aggregate classification (germline): Uncertain significance (1 of 4 stars; one submission).

Conditions:
Combined oxidative phosphorylation defect type 27. Also called: Combined oxidative phosphorylation deficiency 27. Identifiers: Orphanet 477774, MedGen C5567608, MONDO:0014728, OMIM 616672.

Allele frequency attached by ClinVar (database versions not stated): gnomAD exomes 0.00002 and 0.00003; TOPMed 0.00002; ExAC 0.00003; gnomAD 0.00003; 1000 Genomes Project 30x 0.00016; 1000 Genomes Project 0.00020.
gnomAD v4.1: 45 of 1,612,836 alleles (0.0028%); highest among the groups gnomAD compares: Non-Finnish European, 0.0035%; no homozygotes.

Submission:

Labcorp Genetics (formerly Invitae), Labcorp
Classification: Uncertain significance for Combined oxidative phosphorylation defect type 27. Last evaluated: 2024-02-17. Review status: criteria provided, single submitter. Criteria: Invitae Variant Classification Sherloc (09022015). Collection method: clinical testing. Allele origin: germline.
Comment: This sequence change replaces alanine, which is neutral and non-polar, with valine, which is neutral and non-polar, at codon 563 of the CARS2 protein (p.Ala563Val). This variant is present in population databases (rs542366222, gnomAD 0.003%). This variant has not been reported in the literature in individuals affected with CARS2-related conditions. ClinVar contains an entry for this variant (Variation ID: 1475595). Algorithms developed to predict the effect of missense changes on protein structure and function output the following: SIFT: "Not Available"; PolyPhen-2: "Benign"; Align-GVGD: "Not Available". The valine amino acid residue is found in multiple mammalian species, which suggests that this missense change does not adversely affect protein function. In summary, the available evidence is currently insufficient to determine the role of this variant in disease. Therefore, it has been classified as a Variant of Uncertain Significance.